The following is an entry in ClinVar:

ClinVar aggregate classification (germline): Uncertain significance (1 of 4 stars; one submission).

Conditions:
Hereditary cancer-predisposing syndrome. Also called: Neoplastic Syndromes, Hereditary; Tumor predisposition; Hereditary neoplastic syndrome; Hereditary Cancer Syndrome. Identifiers: Orphanet 140162, MedGen C0027672, MeSH D009386, MONDO:0015356.

Submission:

Ambry Genetics
Classification: Uncertain significance for Hereditary cancer-predisposing syndrome. Last evaluated: 2024-05-02. Review status: criteria provided, single submitter. Criteria: Ambry Variant Classification Scheme 2023. Collection method: clinical testing. Allele origin: germline.
Comment: The c.6301_6306delAATGTA variant (also known as p.N2101_V2102del) is located in coding exon 10 of the BRCA2 gene. This variant results from an in-frame AATGTA deletion at nucleotide positions 6301 to 6306. This results in the in-frame deletion of two amino acids at codons 2101 and 2102. This amino acid region is poorly conserved in available vertebrate species. In addition, the in silico prediction for this alteration is inconclusive (Choi Y et al. PLoS ONE. 2012; 7(10):e46688). Based on the available evidence, the clinical significance of this variant remains unclear.

NM_000059.4(BRCA2):c.6301_6306del (p.Asn2101_Val2102del)

Gene: BRCA2 (BRCA2 DNA repair associated; plus strand). Cytogenetic location: 13q13.1.
Variant type: Deletion.
Coding change: c.6301_6306del on transcript NM_000059.4 (MANE Select); coding-DNA positions 6301 to 6306, 6 bases deleted (AATGTA; older notation c.6301_6306delAATGTA).
Protein change: p.Asn2101_Val2102del.
Molecular consequence: inframe deletion.
Genome position (GRCh38, 1-based): chr13:32,340,656-32,340,661, AATGTA deleted; deleting any 6 consecutive bases within chr13:32,340,655-32,340,661 gives the same sequence; the c. name uses the placement nearest the transcript's 3' end. VCF-style (leftmost placement, unchanged base first): chr13-32340654-AAAATGT-A. GRCh37 (hg19) VCF-style: chr13-32914791-AAAATGT-A.
Identifiers: ClinVar variation 826310 (VCV000826310.5), dbSNP rs1593908185, ClinGen allele CA915948506.